The following is an entry in ClinVar:

ClinVar aggregate classification (germline): Conflicting classifications of pathogenicity. Review status: criteria provided, conflicting classifications (1 of 4 stars). 2 submissions from 2 submitters: Uncertain significance (1); Likely benign (1). Last evaluated 2023-04-07.

Conditions:
Cardiovascular phenotype. Identifiers: MedGen CN230736.
Ehlers-Danlos syndrome due to tenascin-X deficiency (EDSCLL1). Also called: EDS DUE TO TNX DEFICIENCY; TNXB-Related Classical-Like Ehlers-Danlos Syndrome; TNX DEFICIENCY; EHLERS-DANLOS SYNDROME, CLASSIC-LIKE; Ehlers-Danlos syndrome, classic-like, 1. Identifiers: Orphanet 230839, MedGen C1848029, MONDO:0011670, OMIM 606408.
Vesicoureteral reflux 8 (VUR8). Identifiers: Orphanet 289365, MedGen C4014831, MONDO:0014422, OMIM 615963.

Allele frequency attached by ClinVar (database versions not stated): gnomAD exomes below 0.00001.
gnomAD v4.1: 5 of 1,613,048 alleles (0.00031%); highest among the groups gnomAD compares: South Asian, 0.0055%; no homozygotes.

Submissions (2):

Ambry Genetics
Classification: Likely benign for Cardiovascular phenotype. Last evaluated: 2023-04-07. Review status: criteria provided, single submitter. Criteria: Ambry Variant Classification Scheme 2023. Collection method: clinical testing. Allele origin: germline.

Center for Genomics, Ann and Robert H. Lurie Children's Hospital of Chicago
Classification: Uncertain significance for Ehlers-Danlos syndrome due to tenascin-X deficiency; Vesicoureteral reflux 8. Review status: criteria provided, single submitter. Criteria: ACMG Guidelines, 2015. Collection method: clinical testing. Allele origin: germline.
Comment: TNXB NM_019105 exon 3 p.Arg287Arg (c.861G>A): This variant has not been reported in the literature but is present in 1/30696 South Asian alleles in the Genome Aggregation Database. Evolutionary conservation and computational predictive tools for this variant are limited or unavailable. Of note, this variant is a silent variant and does not change the amino acid, reducing the probability that this variant is disease causing. In summary, data on this variant is insufficient for disease classification. Therefore, the clinical significance of this variant is uncertai

NM_001365276.2(TNXB):c.861G>A (p.Arg287=)

Gene: TNXB (tenascin XB; minus strand). Cytogenetic location: 6p21.33.
Variant type: single nucleotide variant.
Coding change: c.861G>A on transcript NM_001365276.2 (MANE Select); coding-DNA position 861, G replaced by A.
Protein change: p.Arg287=; no amino-acid change (arginine 287 retained).
Molecular consequence: synonymous variant.
Genome position (GRCh38, 1-based): chr6:32,096,992, C>T on the plus strand (G>A on the coding strand, the complement: TNXB is on the minus strand). VCF-style: chr6-32096992-C-T. GRCh37 (hg19) VCF-style: chr6-32064769-C-T.
Other names: c.861G>A, p.Arg287= (NM_019105.8); c.861G>A (NM_019105.6).
Identifiers: ClinVar variation 626191 (VCV000626191.5), dbSNP rs1406340228, ClinGen allele CA449823693.
Genomic context (GRCh38, chr6:32,096,992, plus strand): 5'-CCCACAGTCCTCGCCAGTGTAGCCGGGGTTACACACGCAGCGCCCATTCTCACAGCGCCC[C>T]CTCTGACTGCAACCGCGAGGGCAGCTCCTCATGCCACAGTCGTCACCAGTGTAGCCTGGG-3'
Protein context (NP_001352205.1, residues 277-297): MRSCPRGCSQ[Arg287=]GRCENGRCVC